The following is an entry in ClinVar:

NR_029512.1(MIR96):n.45T>G

Gene: MIR96 (microRNA 96; minus strand). Cytogenetic location: 7q32.2.
Variant type: single nucleotide variant.
Molecular consequence: non-coding transcript variant (on NR_029512.1).
Genome position: GRCh38 VCF-style: chr7-129774725-A-C. GRCh37 (hg19) VCF-style: chr7-129414565-A-C.
Identifiers: ClinVar variation 5000726 (VCV005000726.1).

ClinVar aggregate classification (germline): Uncertain significance (1 of 4 stars; one submission).

Conditions:
MIR96-related condition.

Submission:

PreventionGenetics, part of Exact Sciences
Classification: Uncertain significance for MIR96-related condition. Last evaluated: 2026-07-02. Review status: criteria provided, single submitter. Criteria: ACMG Guidelines, 2015. Collection method: clinical testing. Allele origin: germline.
Comment: The MIR96 n.45T>G is a noncoding alteration. To our knowledge, this variant has not been reported in the literature or in a large population database (gnomAD), indicating this variant is rare. At this time, the clinical significance of this variant is uncertain due to the absence of conclusive functional and genetic evidence.